The following is an entry in ClinVar:

ClinVar aggregate classification (germline): Uncertain significance (1 of 4 stars; one submission).

Conditions:
Brugada syndrome. Also called: Sudden Unexplained Death Syndrome; Sudden Unexplained Nocturnal Death Syndrome (SUNDS); Sudden unexpected nocturnal death syndrome; Sudden unexplained nocturnal death syndrome. Identifiers: Orphanet 130, MedGen C1142166, MONDO:0015263.

Allele frequency attached by ClinVar (database versions not stated): ExAC 0.00001; gnomAD 0.00001; 1000 Genomes Project 0.00020; 1000 Genomes Project 30x 0.00031.
gnomAD v4.1: 2 of 1,607,314 alleles (0.00012%); highest among the groups gnomAD compares: Admixed American, 0.0017%; no homozygotes.

Submission:

Labcorp Genetics (formerly Invitae), Labcorp
Classification: Uncertain significance for Brugada syndrome. Last evaluated: 2023-11-11. Review status: criteria provided, single submitter. Criteria: Invitae Variant Classification Sherloc (09022015). Collection method: clinical testing. Allele origin: germline.
Comment: This sequence change replaces alanine, which is neutral and non-polar, with threonine, which is neutral and polar, at codon 792 of the SLMAP protein (p.Ala792Thr). The frequency data for this variant in the population databases is considered unreliable, as metrics indicate poor data quality at this position in the gnomAD database. This variant has not been reported in the literature in individuals affected with SLMAP-related conditions. An algorithm developed to predict the effect of missense changes on protein structure and function (PolyPhen-2) suggests that this variant is likely to be tolerated. In summary, the available evidence is currently insufficient to determine the role of this variant in disease. Therefore, it has been classified as a Variant of Uncertain Significance.

NM_001377540.1(SLMAP):c.*37G>A

Gene: SLMAP (sarcolemma associated protein; plus strand). Cytogenetic location: 3p14.3.
Variant type: single nucleotide variant.
Coding change: c.*37G>A on transcript NM_001377540.1 (MANE Select); 37 bases downstream of the stop codon, G replaced by A.
Molecular consequence: 3 prime UTR variant. On other transcripts: missense variant (10), non-coding transcript variant (1).
Genome position (GRCh38, 1-based): chr3:57,927,326, G>A. VCF-style: chr3-57927326-G-A. GRCh37 (hg19) VCF-style: chr3-57913053-G-A.
Other names: c.2425G>A, p.Ala809Thr (NM_001304420.3); c.2311G>A, p.Ala771Thr (NM_001304421.2, NM_001377557.1); c.1027G>A, p.Ala343Thr (NM_001304422.3); c.829G>A, p.Ala277Thr (NM_001304423.3); c.*37G>A (NM_001311178.2, NM_001377541.1, NM_001377542.1 and 12 more transcripts); c.2497G>A, p.Ala833Thr (NM_001377538.1); c.2476G>A, p.Ala826Thr (NM_001377539.1); c.2362G>A, p.Ala788Thr (NM_001377551.1); and 2 more; short protein forms A792T, A809T, A833T, A277T, A343T, A826T, A302T, A771T.
Identifiers: ClinVar variation 3012952 (VCV003012952.3), dbSNP rs575854499, ClinGen allele CA2467404.
Genomic context (GRCh38, chr3:57,927,326, plus strand): 5'-GATATTGACTCTTGGTTTCTTTCCACACAGAAACCCTGGCCCTGGATGCCCATGTTGGCT[G>A]CCCTGGTTGCAGTAACAGCCATCGTGCTGTACGTGCCAGGTCTGGCCAGAGCTTCTCCAT-3'